The following is an entry in ClinVar:

NM_022552.5(DNMT3A):c.731C>A (p.Pro244His)

Gene: DNMT3A (DNA methyltransferase 3 alpha; minus strand). Cytogenetic location: 2p23.3.
Variant type: single nucleotide variant.
Coding change: c.731C>A on transcript NM_022552.5 (MANE Select); coding-DNA position 731, C replaced by A.
Protein change: p.Pro244His; replaces proline 244 with histidine.
Molecular consequence: missense variant. On other transcripts: non-coding transcript variant (1).
Genome position (GRCh38, 1-based): chr2:25,248,161, G>T on the plus strand (C>A on the coding strand, the complement: DNMT3A is on the minus strand). VCF-style: chr2-25248161-G-T. GRCh37 (hg19) VCF-style: chr2-25471030-G-T.
Other names: c.275C>A, p.Pro92His (NM_001320893.1); c.62C>A, p.Pro21His (NM_001375819.1); c.164C>A, p.Pro55His (NM_153759.3); c.731C>A, p.Pro244His (NM_175629.2); c.731C>A (NM_022552.3); short protein forms P21H, P244H, P55H, P92H.
Identifiers: ClinVar variation 3717206 (VCV003717206.4).

ClinVar aggregate classification (germline): Uncertain significance. Review status: criteria provided, multiple submitters, no conflicts (2 of 4 stars). 3 submissions from 3 submitters: Uncertain significance (3). Last evaluated 2024-12-23.

Conditions:
Inborn genetic diseases. Identifiers: MedGen C0950123, MeSH D030342.
Tatton-Brown-Rahman overgrowth syndrome. Also called: Tatton-Brown-Rahman syndrome; Tall stature-intellectual disability-facial dysmorphism syndrome. Identifiers: Orphanet 404443, MedGen C4014545, MONDO:0014382, OMIM 615879.
DNMT3A-related disorder. Also called: DNMT3A-related condition; DNMT3A-related disorders.

Submissions (3):

Ambry Genetics
Classification: Uncertain significance for Inborn genetic diseases. Last evaluated: 2024-12-23. Review status: criteria provided, single submitter. Criteria: Ambry Variant Classification Scheme 2023. Collection method: clinical testing. Allele origin: germline.
Comment: The p.P244H variant (also known as c.731C>A), located in coding exon 6 of the DNMT3A gene, results from a C to A substitution at nucleotide position 731. The proline at codon 244 is replaced by histidine, an amino acid with similar properties. This amino acid position is conserved. In addition, the in silico prediction for this alteration is inconclusive. Based on the available evidence, the clinical significance of this variant remains unclear.

PreventionGenetics, part of Exact Sciences
Classification: Uncertain significance for DNMT3A-related condition. Last evaluated: 2024-11-05. Review status: criteria provided, single submitter. Criteria: ACMG Guidelines, 2015. Collection method: clinical testing. Allele origin: germline.
Comment: The DNMT3A c.731C>A variant is predicted to result in the amino acid substitution p.Pro244His. To our knowledge, this variant has not been reported in the literature. This variant is reported in 1 out of ~250,000 alleles in gnomAD. At this time, the clinical significance of this variant is uncertain due to the absence of conclusive functional and genetic evidence.

Labcorp Genetics (formerly Invitae), Labcorp
Classification: Uncertain significance for Tatton-Brown-Rahman overgrowth syndrome. Last evaluated: 2024-10-07. Review status: criteria provided, single submitter. Criteria: Invitae Variant Classification Sherloc (09022015). Collection method: clinical testing. Allele origin: germline.
Comment: This sequence change replaces proline, which is neutral and non-polar, with histidine, which is basic and polar, at codon 244 of the DNMT3A protein (p.Pro244His). This variant is present in population databases (no rsID available, gnomAD no frequency). This variant has not been reported in the literature in individuals affected with DNMT3A-related conditions. Invitae Evidence Modeling of protein sequence and biophysical properties (such as structural, functional, and spatial information, amino acid conservation, physicochemical variation, residue mobility, and thermodynamic stability) indicates that this missense variant is not expected to disrupt DNMT3A protein function with a negative predictive value of 95%. In summary, the available evidence is currently insufficient to determine the role of this variant in disease. Therefore, it has been classified as a Variant of Uncertain Significance.